The following is an entry in ClinVar:

ClinVar aggregate classification (germline): Uncertain significance (1 of 4 stars; one submission).

Conditions:
EGFR-related lung cancer (EGFR). Identifiers: MedGen CN130014.

Submission:

Labcorp Genetics (formerly Invitae), Labcorp
Classification: Uncertain significance for EGFR-related lung cancer. Last evaluated: 2026-01-26. Review status: criteria provided, single submitter. Criteria: Invitae Variant Classification Sherloc (09022015). Collection method: clinical testing. Allele origin: germline.
Comment: This sequence change falls in intron 18 of the EGFR gene. It does not directly change the encoded amino acid sequence of the EGFR protein. It affects a nucleotide within the consensus splice site. This variant is not present in population databases (gnomAD no frequency). This variant has not been reported in the literature in individuals affected with EGFR-related conditions. ClinVar contains an entry for this variant (Variation ID: 3682254). Variants that disrupt the consensus splice site are a relatively common cause of aberrant splicing (PMID: 17576681, 9536098). Algorithms developed to predict the effect of sequence changes on RNA splicing suggest that this variant is not likely to affect RNA splicing. In summary, the available evidence is currently insufficient to determine the role of this variant in disease. Therefore, it has been classified as a Variant of Uncertain Significance.

Literature cited by the submitters: PubMed 17576681; PubMed 9536098.

NM_005228.5(EGFR):c.2184+5G>A

Gene: EGFR (epidermal growth factor receptor; plus strand). Cytogenetic location: 7p11.2.
Variant type: single nucleotide variant.
Coding change: c.2184+5G>A on transcript NM_005228.5 (MANE Select); 5 bases into the intron after coding-DNA position 2184, G replaced by A.
Molecular consequence: intron variant.
Genome position (GRCh38, 1-based): chr7:55,174,048, G>A. VCF-style: chr7-55174048-G-A. GRCh37 (hg19) VCF-style: chr7-55241741-G-A.
Other names: c.2049+5G>A (NM_001346899.2, NM_001346897.2); c.1383+5G>A (NM_001346941.2); c.2184+5G>A (NM_001346898.2); c.2025+5G>A (NM_001346900.2).
Identifiers: ClinVar variation 3682254 (VCV003682254.2).